The following is an entry in ClinVar:

NM_014679.5(CEP57):c.520G>C (p.Glu174Gln)

Gene: CEP57 (centrosomal protein 57; plus strand). Cytogenetic location: 11q21.
Variant type: single nucleotide variant.
Coding change: c.520G>C on transcript NM_014679.5 (MANE Select); coding-DNA position 520, G replaced by C.
Protein change: p.Glu174Gln; replaces glutamic acid 174 with glutamine.
Molecular consequence: missense variant.
Genome position (GRCh38, 1-based): chr11:95,817,802, G>C. VCF-style: chr11-95817802-G-C. GRCh37 (hg19) VCF-style: chr11-95550966-G-C.
Other names: c.493G>C, p.Glu165Gln (NM_001243776.2); c.520G>C, p.Glu174Gln (NM_001243777.2); c.439G>C, p.Glu147Gln (NM_001363604.2); short protein forms E174Q, E165Q, E147Q.
Identifiers: ClinVar variation 408447 (VCV000408447.9), dbSNP rs1060501986, ClinGen allele CA16613717.

ClinVar aggregate classification (germline): Uncertain significance. Review status: criteria provided, multiple submitters, no conflicts (2 of 4 stars). 2 submissions from 2 submitters: Uncertain significance (2). Last evaluated 2025-03-24.

Conditions:
Inborn genetic diseases. Identifiers: MedGen C0950123, MeSH D030342.
Mosaic variegated aneuploidy syndrome 2 (MVA2). Identifiers: Orphanet 1052, MedGen C3279843, MONDO:0013582, OMIM 614114.

Allele frequency attached by ClinVar (database versions not stated): gnomAD exomes below 0.00001.
gnomAD v4.1: 2 of 1,613,140 alleles (0.00012%); highest among the groups gnomAD compares: East Asian, 0.0045%; no homozygotes.

Submissions (2):

Ambry Genetics
Classification: Uncertain significance for Inborn genetic diseases. Last evaluated: 2025-03-24. Review status: criteria provided, single submitter. Criteria: Ambry Variant Classification Scheme 2023. Collection method: clinical testing. Allele origin: germline.
Comment: The p.E174Q variant (also known as c.520G>C), located in coding exon 5 of the CEP57 gene, results from a G to C substitution at nucleotide position 520. The glutamic acid at codon 174 is replaced by glutamine, an amino acid with highly similar properties. This amino acid position is conserved. In addition, this alteration is predicted to be tolerated by in silico analysis. Based on the available evidence, the clinical significance of this variant remains unclear.

Labcorp Genetics (formerly Invitae), Labcorp
Classification: Uncertain significance for Mosaic variegated aneuploidy syndrome 2. Last evaluated: 2016-11-09. Review status: criteria provided, single submitter. Criteria: Invitae Variant Classification Sherloc (09022015). Collection method: clinical testing. Allele origin: germline.
Comment: In summary, this variant is a novel missense change with uncertain impact on protein function. It has been classified as a Variant of Uncertain Significance. Algorithms developed to predict the effect of missense changes on protein structure and function do not agree on the potential impact of this missense change (SIFT: "Tolerated"; PolyPhen-2: "Probably Damaging"; Align-GVGD: "Class C0"). This variant is not present in population databases (ExAC no frequency) and has not been reported in the literature in individuals with a CEP57-related disease. This sequence change replaces glutamic acid with glutamine at codon 174 of the CEP57 protein (p.Glu174Gln). The glutamic acid residue is highly conserved and there is a small physicochemical difference between glutamic acid and glutamine.